The following is an entry in ClinVar:

NM_005560.6(LAMA5):c.1417+6C>T

Gene: LAMA5 (laminin subunit alpha 5; minus strand). Cytogenetic location: 20q13.33.
Variant type: single nucleotide variant.
Coding change: c.1417+6C>T on transcript NM_005560.6 (MANE Select); 6 bases into the intron after coding-DNA position 1417, C replaced by T.
Molecular consequence: intron variant.
Genome position (GRCh38, 1-based): chr20:62,346,075, G>A on the plus strand (C>T on the coding strand, the complement: LAMA5 is on the minus strand). VCF-style: chr20-62346075-G-A. GRCh37 (hg19) VCF-style: chr20-60921131-G-A.
Identifiers: ClinVar variation 3346523 (VCV003346523.1).
Genomic context (GRCh38, chr20:62,346,075, plus strand): 5'-CCCTGCAGGGCTCCCGGAGTCCAGCAGGCAGTGGTGTCTGTTTGGATGCCCCTGGCAGGT[G>A]CTCACGGTAGCAGCTTGGGAAGCCCGTGAAGCCCTCGGCACACACGTCACACCGCTCCCC-3'

ClinVar aggregate classification (germline): Likely benign (0 of 4 stars; one submission).

Conditions:
LAMA5-related disorder. Also called: LAMA5-related condition; LAMA5-Related Disorders.

gnomAD v4.1: 7 of 1,612,954 alleles (0.00043%); highest among the groups gnomAD compares: Non-Finnish European, 0.00051%; no homozygotes.

Submission:

PreventionGenetics, part of Exact Sciences
Classification: Likely benign for LAMA5-related condition. Last evaluated: 2024-09-03. Review status: no assertion criteria provided. Collection method: clinical testing. Allele origin: germline.
Comment: This variant is classified as likely benign based on ACMG/AMP sequence variant interpretation guidelines (Richards et al. 2015 PMID: 25741868, with internal and published modifications).